The following is an entry in ClinVar:

ClinVar aggregate classification (germline): Uncertain significance (0 of 4 stars; one submission).

Conditions:
DNAH5-related disorder. Also called: DNAH5-related condition.

Submission:

PreventionGenetics, part of Exact Sciences
Classification: Uncertain significance for DNAH5-related condition. Last evaluated: 2024-02-05. Review status: no assertion criteria provided. Collection method: clinical testing. Allele origin: germline.
Comment: The DNAH5 c.12454G>C variant is predicted to result in the amino acid substitution p.Asp4152His. To our knowledge, this variant has not been reported in the literature or in a large population database, indicating this variant is rare. At this time, the clinical significance of this variant is uncertain due to the absence of conclusive functional and genetic evidence.

NM_001369.3(DNAH5):c.12454G>C (p.Asp4152His)

Gene: DNAH5 (dynein axonemal heavy chain 5; minus strand). Cytogenetic location: 5p15.2.
Variant type: single nucleotide variant.
Coding change: c.12454G>C on transcript NM_001369.3 (MANE Select); coding-DNA position 12454, G replaced by C.
Protein change: p.Asp4152His; replaces aspartic acid 4152 with histidine.
Molecular consequence: missense variant.
Genome position (GRCh38, 1-based): chr5:13,718,927, C>G on the plus strand (G>C on the coding strand, the complement: DNAH5 is on the minus strand). VCF-style: chr5-13718927-C-G. GRCh37 (hg19) VCF-style: chr5-13719036-C-G.
Other names: short protein forms D4152H.
Identifiers: ClinVar variation 3061075 (VCV003061075.2), dbSNP rs761422282, ClinGen allele CA359209127.
Genomic context (GRCh38, chr5:13,718,927, plus strand): 5'-TATTTCTGGACTCACCACTATATGTTCTTTTCAGTCCTGCCCGGAGTCCTTGTGGAGGAT[C>G]GTTGGCAAATTTAATGGACATCTGAAGGAGTGTAATGGGAAACTGCTTATGAGCCTCGGT-3'
Protein context (NP_001360.1, residues 4142-4162): LLQMSIKFAN[Asp4152His]PPQGLRAGLK